The following is an entry in ClinVar:

ClinVar aggregate classification (germline): Pathogenic. Review status: reviewed by expert panel (3 of 4 stars). 2 submissions from 2 submitters: Pathogenic (1). 1 of the submissions does not count toward it. Last evaluated 2016-10-18.

Conditions:
Breast-ovarian cancer, familial, susceptibility to, 2 (BROVCA2). Also called: BRCA2 Hereditary Breast and Ovarian Cancer. Identifiers: Orphanet 145, MedGen C2675520, MONDO:0012933, OMIM 612555. Disease mechanism: loss of function.

Submissions (2):

Evidence-based Network for the Interpretation of Germline Mutant Alleles (ENIGMA)
Classification: Pathogenic for Breast-ovarian cancer, familial, susceptibility to, 2. Last evaluated: 2016-10-18. Review status: reviewed by expert panel. Criteria: ENIGMA BRCA1/2 Classification Criteria (2015). Collection method: curation. Allele origin: germline.
Comment: Variant allele predicted to encode a truncated non-functional protein.

Consortium of Investigators of Modifiers of BRCA1/2 (CIMBA), c/o University of Cambridge
Classification: Pathogenic for Breast-ovarian cancer, familial, susceptibility to, 2. Last evaluated: 2015-10-02. Review status: criteria provided, single submitter. Criteria: CIMBA Mutation Classification guidelines May 2016. Collection method: clinical testing. Allele origin: germline. Not counted in ClinVar's aggregate classification.

NM_000059.4(BRCA2):c.4121del (p.Lys1374fs)

Gene: BRCA2 (BRCA2 DNA repair associated; plus strand). Cytogenetic location: 13q13.1.
Variant type: Deletion.
Coding change: c.4121del on transcript NM_000059.4 (MANE Select); coding-DNA position 4121, one base deleted (A; older notation c.4121delA).
Protein change: p.Lys1374fs; shifts the reading frame from lysine 1374.
Molecular consequence: frameshift variant.
Genome position (GRCh38, 1-based): chr13:32,338,476, A deleted; the last of 2 consecutive A bases (chr13:32,338,475-32,338,476); deleting either gives the same sequence. VCF-style (leftmost placement, unchanged base first): chr13-32338474-GA-G. GRCh37 (hg19) VCF-style: chr13-32912611-GA-G.
Other names: 4349delA; c.4121delA (NM_000059.3).
Identifiers: ClinVar variation 51600 (VCV000051600.7), dbSNP rs397507707, ClinGen allele CA019557.
Genomic context (GRCh38, chr13:32,338,474, plus strand): 5'-AACGGACTTGCTATTTACTGATCAGCACAACATATGTCTTAAATTATCTGGCCAGTTTAT[GA>G]AGGAGGGAAACACTCAGATTAAAGAAGATTTGTCAGATTTAACTTTTTTGGAAGTTGCGA-3'